The following is an entry in ClinVar:

NM_182961.4(SYNE1):c.13431G>A (p.Met4477Ile)

Gene: SYNE1 (spectrin repeat containing nuclear envelope protein 1; minus strand). Cytogenetic location: 6q25.2.
Variant type: single nucleotide variant.
Coding change: c.13431G>A on transcript NM_182961.4 (MANE Select); coding-DNA position 13431, G replaced by A.
Protein change: p.Met4477Ile; replaces methionine 4477 with isoleucine.
Molecular consequence: missense variant.
Genome position (GRCh38, 1-based): chr6:152,331,254, C>T on the plus strand (G>A on the coding strand, the complement: SYNE1 is on the minus strand). VCF-style: chr6-152331254-C-T. GRCh37 (hg19) VCF-style: chr6-152652389-C-T.
Other names: c.13218G>A, p.Met4406Ile (NM_033071.5); short protein forms M4477I, M4406I.
Identifiers: ClinVar variation 1046770 (VCV001046770.10), dbSNP rs1007433720, ClinGen allele CA150177711.
Genomic context (GRCh38, chr6:152,331,254, plus strand): 5'-CTTACATGTTTTGACTTGTTTGCTCACATCATCTGGTAACAGACAGATGTGTTCACGGAA[C>T]ATTATCTTTCGCTCATGTTGCTGAATTTGGCTGGTGGCCTGGAACACTGCCATGAGAAAC-3'
Protein context (NP_892006.3, residues 4467-4487): SQIQQHERKI[Met4477Ile]FREHICLLPD

ClinVar aggregate classification (germline): Uncertain significance. Review status: criteria provided, multiple submitters, no conflicts (2 of 4 stars). 2 submissions from 2 submitters: Uncertain significance (2). Last evaluated 2026-06-01.

Conditions:
Autosomal recessive ataxia, Beauce type. Also called: Spinocerebellar ataxia, autosomal recessive 8; SYNE1 Deficiency; ATAXIA, RECESSIVE, OF BEAUCE; SYNE1-Related Autosomal Recessive Cerebellar Ataxia. Identifiers: Orphanet 88644, MedGen C1853116, MONDO:0012549, OMIM 610743.
Emery-Dreifuss muscular dystrophy 4, autosomal dominant (EDMD4). Also called: EMERY-DREIFUSS MUSCULAR DYSTROPHY 4 WITH VARIABLE FEATURES. Identifiers: Orphanet 261, MedGen C2751807, MONDO:0013071, OMIM 612998.

Allele frequency attached by ClinVar (database versions not stated): gnomAD exomes below 0.00001; TOPMed 0.00002; gnomAD 0.00003 and 0.00004.
gnomAD v4.1: 24 of 1,614,010 alleles (0.0015%); highest among the groups gnomAD compares: African/African-American, 0.0027%; no homozygotes.

Submissions (2):

CeGaT Center for Human Genetics Tuebingen
Classification: Uncertain significance. Last evaluated: 2026-06-01. Review status: criteria provided, single submitter. Criteria: CeGaT Center For Human Genetics Tuebingen Variant Classification Criteria Version 2. Collection method: clinical testing. Allele origin: germline. Affected: yes. Observed: 1 variant allele.
Comment: SYNE1: PM2, BP4

Labcorp Genetics (formerly Invitae), Labcorp
Classification: Uncertain significance for Emery-Dreifuss muscular dystrophy 4, autosomal dominant; Autosomal recessive ataxia, Beauce type. Last evaluated: 2021-03-09. Review status: criteria provided, single submitter. Criteria: Invitae Variant Classification Sherloc (09022015). Collection method: clinical testing. Allele origin: germline.
Comment: This sequence change replaces methionine with isoleucine at codon 4406 of the SYNE1 protein (p.Met4406Ile). The methionine residue is moderately conserved and there is a small physicochemical difference between methionine and isoleucine. This variant is not present in population databases (ExAC no frequency). This variant has not been reported in the literature in individuals with SYNE1-related conditions. Algorithms developed to predict the effect of missense changes on protein structure and function (SIFT, PolyPhen-2, Align-GVGD) all suggest that this variant is likely to be tolerated, but these predictions have not been confirmed by published functional studies and their clinical significance is uncertain. In summary, the available evidence is currently insufficient to determine the role of this variant in disease. Therefore, it has been classified as a Variant of Uncertain Significance.